The following continues an entry in ClinVar:

NM_007294.4(BRCA1):c.4327C>T (p.Arg1443Ter)

Gene: BRCA1. ClinVar aggregate classification (germline): Pathogenic. Pathogenic (1).

Submissions 19 to 34 of 59:

Laboratory for Molecular Medicine, Mass General Brigham Personalized Medicine
Classification: Pathogenic for Hereditary breast ovarian cancer syndrome. Last evaluated: 2023-11-09. Review status: criteria provided, single submitter. Criteria: ACMG Guidelines, 2015. Collection method: clinical testing. Allele origin: germline. Not counted in ClinVar's aggregate classification.
Comment: The p.Arg1443X variant in BRCA1 has been previously reported in >100 individuals with BRCA1-associated cancers and is considered to be a French-Canadian founder mutation (Vézina 2005 PMID:15883839, Hall 2009 PMID:19241424). It has also been identified in 0.002% (1/41432) African/African American chromosomes by gnomAD (v.3.1.2). This frequency is low enough to be consistent with the frequency of hereditary breast and ovarian cancer (HBOC) in the general population. This nonsense variant leads to a premature termination codon at position 1443, which is predicted to lead to a truncated or absent protein. This is corroborated by a functional study that provides some evidence that this variant results in a truncated protein that lacks the BRCT domains (Caligo 2009 PMID:18680205). Heterozygous loss of function of the BRCA1 gene is an established disease mechanism in autosomal dominant hereditary breast and ovarian cancer syndrome (HBOC). Additionally, this variant was classified as pathogenic on April 22, 2016 by the ClinGen-approved ENIGMA expert panel (Variant ID 17675). In summary, this variant meets criteria to be classified as pathogenic for autosomal dominant HBOC. ACMG/AMP Criteria applied: PS4, PM2_Supporting, PVS1_Strong.

Revvity Omics, Revvity
Classification: Pathogenic. Last evaluated: 2023-11-03. Review status: criteria provided, single submitter. Criteria: ACMG Guidelines, 2015. Collection method: clinical testing. Allele origin: germline. Not counted in ClinVar's aggregate classification.

Institute of Human Genetics, FAU Erlangen, Friedrich-Alexander-Universität Erlangen-Nürnberg
Classification: Pathogenic. Last evaluated: 2023-10-17. Review status: criteria provided, single submitter. Criteria: Hauer et al. (Genet Med. 2018). Collection method: clinical testing. Allele origin: germline. Inheritance: Unknown mechanism. Affected: yes. Observed: 1 variant allele. Not counted in ClinVar's aggregate classification.
Comment: This variant has been identified by standard clinical testing.

Quest Diagnostics Nichols Institute San Juan Capistrano
Classification: Pathogenic. Last evaluated: 2023-07-06. Review status: criteria provided, single submitter. Criteria: Quest Diagnostics criteria. Collection method: clinical testing. Allele origin: unknown. Not counted in ClinVar's aggregate classification.
Comment: The BRCA1 c.4327C>T (p.Arg1443*) variant causes the premature termination of BRCA1 protein synthesis. This variant has been reported in the published literature in individuals with breast cancer (PMID: 33646313 (2021), 32885271 (2021), 32854451 (2020), 32341426 (2020), 32029870 (2020), 28724667 (2017)) and endometrial cancer (PMID: 28049106 (2017)). This variant has also been described as a French founder mutation (PMID: 23199084 (2010). The frequency of this variant in the general population, 0.000085 (3/35428 chromosomes (Genome Aggregation Database)), is consistent with pathogenicity. Based on the available information, this variant is classified as pathogenic.

CHEO Genetics Diagnostic Laboratory, Children's Hospital of Eastern Ontario
Classification: Pathogenic for Breast and/or ovarian cancer. Last evaluated: 2023-06-23. Review status: criteria provided, single submitter. Criteria: ACMG Guidelines, 2015. Collection method: clinical testing. Allele origin: germline. Study: Canadian Open Genetics Repository. Not counted in ClinVar's aggregate classification.

Neuberg Centre For Genomic Medicine, NCGM
Classification: Pathogenic for Breast-ovarian cancer, familial, susceptibility to, 1. Last evaluated: 2023-05-20. Review status: criteria provided, single submitter. Criteria: ACMG Guidelines, 2015. Collection method: clinical testing. Allele origin: germline. Inheritance: Autosomal dominant inheritance. Affected: yes. Not counted in ClinVar's aggregate classification.
Comment: The stop gained c.4327C>T (p.Arg1443Ter) variant in the BRCA1 gene as been observed in individual(s) with hereditary breast and ovarian cancer (Kim, Haeyoung et al., 2012). It is commonly reported in individuals of French Canadian ancestry (Cavallone, Luca et al., 2010). This variant is reported with the allele frequency (0.002%) in the gnomAD Exomes. It is submitted to ClinVar as Pathogenic (reviewed by expert panel). This variant is predicted to cause loss of normal protein function through protein truncation. Loss of function variants have been previously reported to be disease causing. Computational evidence (MutationTaster - Disease causing) predicts damaging effect on protein structure and function for this variant. The nucleotide change c.4327C>T in BRCA1 is predicted as conserved by GERP++ and PhyloP across 100 vertebrates. For these reasons, this variant has been classified as Pathogenic.

Clinical Genetics Laboratory, Skane University Hospital Lund
Classification: Pathogenic. Last evaluated: 2022-11-25. Review status: criteria provided, single submitter. Criteria: ACMG Guidelines, 2015. Collection method: clinical testing. Allele origin: germline. Affected: yes. Not counted in ClinVar's aggregate classification.

Blueprint Genetics
Classification: Pathogenic for BRCA1-related disorders. Last evaluated: 2022-10-20. Review status: criteria provided, single submitter. Criteria: ACMG Guidelines, 2015. Collection method: clinical testing. Allele origin: germline. Affected: yes. Observed: 5 variant alleles. Not counted in ClinVar's aggregate classification.

National Health Laboratory Service, Universitas Academic Hospital and University of the Free State
Classification: Pathogenic for Hereditary breast ovarian cancer syndrome. Last evaluated: 2021-11-16. Review status: criteria provided, single submitter. Criteria: ACMG Guidelines, 2015. Collection method: clinical testing. Allele origin: germline. Affected: yes. Observed: 1 variant allele. Not counted in ClinVar's aggregate classification.

Sema4
Classification: Pathogenic for Hereditary cancer-predisposing syndrome. Last evaluated: 2021-11-09. Review status: criteria provided, single submitter. Criteria: Sema4 Curation Guidelines. Collection method: curation. Allele origin: germline. Not counted in ClinVar's aggregate classification.
Comment: The BRCA1 c.4327C>T (p.R1443X) variant has been reported in heterozygosity in multiple individuals with breast and/or ovarian cancer (PMID: 31528241, 32854451, 31957001, 21324516, among others). It is also known as 4446C>T in the literature and is a founder variant in the French-Canadian population (PMID: 15883839). This nonsense variant creates a premature stop codon at residue 1443 of the BRCA1 protein. Loss of function variants in BRCA1 are known to be pathogenic (PMID: 29446198). This variant was observed in 3/35428 chromosomes in the Latino population according to the Genome Aggregation Database (PMID: 32461654) and has been reported in ClinVar (Variation ID: 17675). Based on the current evidence available, this variant is interpreted as pathogenic.

Fulgent Genetics
Classification: Pathogenic for Familial cancer of breast; Breast-ovarian cancer, familial, susceptibility to, 1; Pancreatic cancer, susceptibility to, 4; Fanconi anemia, complementation group S. Last evaluated: 2021-10-19. Review status: criteria provided, single submitter. Criteria: ACMG Guidelines, 2015. Collection method: clinical testing. Allele origin: unknown. Not counted in ClinVar's aggregate classification.

Institute of Medical Genetics and Applied Genomics, University Hospital Tübingen
Classification: Pathogenic. Last evaluated: 2021-06-17. Review status: criteria provided, single submitter. Criteria: ACMG Guidelines, 2015. Collection method: clinical testing. Allele origin: germline. Inheritance: Autosomal dominant inheritance. Affected: yes. Not counted in ClinVar's aggregate classification.

GeneDx
Classification: Pathogenic. Last evaluated: 2019-11-04. Review status: criteria provided, single submitter. Criteria: GeneDx Variant Classification Process June 2021. Collection method: clinical testing. Allele origin: germline. Affected: yes. Not counted in ClinVar's aggregate classification.
Comment: Nonsense variant predicted to result in protein truncation or nonsense mediated decay in a gene for which loss-of-function is a known mechanism of disease; Truncating variants in this gene are considered pathogenic by a well-established clinical consortium and/or database; Also known as 4446C>T; This variant is associated with the following publications: (PMID: 23233716, 26028024, 25371446, 27463008, 28127413, 19656415, 9625424, 7493024, 8533757, 28111427, 29446198, 16905680, 25525159, 18680205, 23341105, 22401979, 15382066, 20694749, 15883839, 10090482, 23199084, 17148771, 11307153, 10486320, 7894491, 21324516, 27469594, 27184744, 27393621, 26541979, 28049106, 27783335, 16030099, 25236687, 27533253, 26976419, 21120943, 27221827, 26911350, 25504618, 17688236, 27286788, 25085752, 27553291, 28283652, 28392550, 19863560, 15726418, 25652403, 17591843, 19241424, 11179017, 17221156, 22798144, 9792861, 10682662, 26295337, 19329713, 16417652, 10422801, 15951958, 18821011, 10984458, 8990217, 21203900, 8571953, 28985766, 26681312, 28993434, 29907814, 29470806, 28724667, 30702160, 30630528, 30078507, 30720243, 30322717, 30093976, 31090900, 32467295, 33646313, 11597388, 31447099, 31825140, 32341426, 32885271, 30875412, 31742824, 33087929)

Human Genome Sequencing Center Clinical Lab, Baylor College of Medicine
Classification: Pathogenic for Familial breast-ovarian cancer 1. Last evaluated: 2018-10-12. Review status: criteria provided, single submitter. Criteria: ACMG Guidelines, 2015. Collection method: clinical testing. Allele origin: germline. Not counted in ClinVar's aggregate classification.
Comment: This rare nonsense variant c.4327C>T (p.Arg1443*) in the BRCA1 gene is extremely rare in public databases and is predicted to introduce a premature translation termination codon. This variant is considered to be a founder mutation (PMID 15883839 ) and has been observed in multiple unrelated individuals with breast cancer (PMID 10422801,21324516, 7894491). Therefore, this c.4327C>T (p.Arg1443*) variant in the BRCA1 gene is classified as pathogenic.

Department of Pathology and Laboratory Medicine, Sinai Health System
Classification: Pathogenic for Familial cancer of breast; Breast-ovarian cancer, familial, susceptibility to, 1; Fanconi anemia, complementation group S. Last evaluated: 2018-05-29. Review status: criteria provided, single submitter. Criteria: ACMG Guidelines, 2015. Collection method: clinical testing. Allele origin: germline. Affected: yes. Not counted in ClinVar's aggregate classification.

Eurofins Ntd Llc (ga)
Classification: Pathogenic. Last evaluated: 2018-05-25. Review status: criteria provided, single submitter. Criteria: EGL ClinVar v180209 classification definitions. Collection method: clinical testing. Allele origin: germline. Observed: 4 variant alleles, 4 heterozygotes. Not counted in ClinVar's aggregate classification.